The following is an entry in ClinVar:

ClinVar aggregate classification (germline): Uncertain significance. Review status: criteria provided, multiple submitters, no conflicts (2 of 4 stars). 2 submissions from 2 submitters: Uncertain significance (2). Last evaluated 2024-01-03.

Conditions:
Inborn genetic diseases. Identifiers: MedGen C0950123, MeSH D030342.
Hereditary sensory neuropathy-deafness-dementia syndrome. Also called: Hereditary sensory neuropathy type IE; Hereditary Sensory and Autonomic Neuropathy Type 1E (HSAN1E); NEUROPATHY, HEREDITARY SENSORY, WITH HEARING LOSS AND DEMENTIA; HSN IE. Identifiers: Orphanet 456318, MedGen C3279885, MONDO:0013584, OMIM 614116.

Allele frequency attached by ClinVar (database versions not stated): TOPMed below 0.00001; gnomAD exomes 0.00001; ESP Exome Variant Server 0.00008.
gnomAD v4.1: 3 of 1,614,206 alleles (0.00019%); highest among the groups gnomAD compares: Non-Finnish European, 0.00025%; no homozygotes.

Submissions (2):

Labcorp Genetics (formerly Invitae), Labcorp
Classification: Uncertain significance for Hereditary sensory neuropathy-deafness-dementia syndrome. Last evaluated: 2024-01-03. Review status: criteria provided, single submitter. Criteria: Invitae Variant Classification Sherloc (09022015). Collection method: clinical testing. Allele origin: germline.
Comment: This sequence change replaces aspartic acid, which is acidic and polar, with histidine, which is basic and polar, at codon 886 of the DNMT1 protein (p.Asp886His). This variant is not present in population databases (gnomAD no frequency). This variant has not been reported in the literature in individuals affected with DNMT1-related conditions. ClinVar contains an entry for this variant (Variation ID: 2603853). Advanced modeling of protein sequence and biophysical properties (such as structural, functional, and spatial information, amino acid conservation, physicochemical variation, residue mobility, and thermodynamic stability) performed at Invitae indicates that this missense variant is not expected to disrupt DNMT1 protein function with a negative predictive value of 80%. In summary, the available evidence is currently insufficient to determine the role of this variant in disease. Therefore, it has been classified as a Variant of Uncertain Significance.

Ambry Genetics
Classification: Uncertain significance for Inborn genetic diseases. Last evaluated: 2023-06-15. Review status: criteria provided, single submitter. Criteria: Ambry Variant Classification Scheme 2023. Collection method: clinical testing. Allele origin: germline.

NM_001130823.3(DNMT1):c.2656G>C (p.Asp886His)

Gene: DNMT1 (DNA methyltransferase 1; minus strand). Cytogenetic location: 19p13.2.
Variant type: single nucleotide variant.
Coding change: c.2656G>C on transcript NM_001130823.3 (MANE Select); coding-DNA position 2656, G replaced by C.
Protein change: p.Asp886His; replaces aspartic acid 886 with histidine.
Molecular consequence: missense variant.
Genome position (GRCh38, 1-based): chr19:10,148,948, C>G on the plus strand (G>C on the coding strand, the complement: DNMT1 is on the minus strand). VCF-style: chr19-10148948-C-G. GRCh37 (hg19) VCF-style: chr19-10259624-C-G.
Other names: c.2608G>C, p.Asp870His (NM_001318730.2, NM_001379.4); c.2293G>C, p.Asp765His (NM_001318731.2); short protein forms D765H, D870H, D886H.
Identifiers: ClinVar variation 2603853 (VCV002603853.5), dbSNP rs367681882, ClinGen allele CA305170981.